The following is an entry in ClinVar:

ClinVar aggregate classification (germline): Uncertain significance. Review status: criteria provided, multiple submitters, no conflicts (2 of 4 stars). 2 submissions from 2 submitters: Uncertain significance (2). Last evaluated 2026-04-22.

Conditions:
Renal cell carcinoma. Identifiers: Orphanet 217071, MedGen C0007134, MeSH D002292, MONDO:0005086, HP:0005584.
Hereditary cancer-predisposing syndrome. Also called: Hereditary neoplastic syndrome; Tumor predisposition; Hereditary Cancer Syndrome; Neoplastic Syndromes, Hereditary. Identifiers: Orphanet 140162, MedGen C0027672, MeSH D009386, MONDO:0015356.

Submissions (2):

Ambry Genetics
Classification: Uncertain significance for Hereditary cancer-predisposing syndrome. Last evaluated: 2026-04-22. Review status: criteria provided, single submitter. Criteria: Ambry Variant Classification Scheme 2023. Collection method: clinical testing. Allele origin: germline.
Comment: The p.T506S variant (also known as c.1517C>G), located in coding exon 3 of the MET gene, results from a C to G substitution at nucleotide position 1517. The threonine at codon 506 is replaced by serine, an amino acid with similar properties. This amino acid position is conserved. In addition, this alteration is predicted to be tolerated by in silico analysis. Based on the available evidence, the clinical significance of this variant remains unclear.

Labcorp Genetics (formerly Invitae), Labcorp
Classification: Uncertain significance for Renal cell carcinoma. Last evaluated: 2024-02-15. Review status: criteria provided, single submitter. Criteria: Invitae Variant Classification Sherloc (09022015). Collection method: clinical testing. Allele origin: germline.
Comment: This sequence change replaces threonine, which is neutral and polar, with serine, which is neutral and polar, at codon 506 of the MET protein (p.Thr506Ser). This variant is not present in population databases (gnomAD no frequency). This variant has not been reported in the literature in individuals affected with MET-related conditions. Advanced modeling of protein sequence and biophysical properties (such as structural, functional, and spatial information, amino acid conservation, physicochemical variation, residue mobility, and thermodynamic stability) performed at Invitae indicates that this missense variant is not expected to disrupt MET protein function with a negative predictive value of 80%. In summary, the available evidence is currently insufficient to determine the role of this variant in disease. Therefore, it has been classified as a Variant of Uncertain Significance.

NM_000245.4(MET):c.1517C>G (p.Thr506Ser)

Gene: MET (MET proto-oncogene, receptor tyrosine kinase; plus strand). Cytogenetic location: 7q31.2.
Variant type: single nucleotide variant.
Coding change: c.1517C>G on transcript NM_000245.4 (MANE Select); coding-DNA position 1517, C replaced by G.
Protein change: p.Thr506Ser; replaces threonine 506 with serine.
Molecular consequence: missense variant.
Genome position (GRCh38, 1-based): chr7:116,740,074, C>G. VCF-style: chr7-116740074-C-G. GRCh37 (hg19) VCF-style: chr7-116380128-C-G.
Other names: c.1517C>G, p.Thr506Ser (NM_001127500.3, NM_001324401.3); c.227C>G, p.Thr76Ser (NM_001324402.2); short protein forms T76S, T506S.
Identifiers: ClinVar variation 3677756 (VCV003677756.3).